The following is an entry in ClinVar:

ClinVar aggregate classification (germline): Uncertain significance (1 of 4 stars; one submission).

Conditions:
Walker-Warburg congenital muscular dystrophy. Also called: Muscular dystrophy-dystroglycanopathy, type A; Walker-Warburg syndrome. Identifiers: Orphanet 899, MedGen C0265221, MONDO:0000171.

Allele frequency attached by ClinVar (database versions not stated): gnomAD exomes below 0.00001.
gnomAD v4.1: 1 of 1,614,106 alleles (0.000062%); highest among the groups gnomAD compares: Non-Finnish European, 0.000085%; no homozygotes.

Submission:

Labcorp Genetics (formerly Invitae), Labcorp
Classification: Uncertain significance for Walker-Warburg congenital muscular dystrophy. Last evaluated: 2021-05-19. Review status: criteria provided, single submitter. Criteria: Invitae Variant Classification Sherloc (09022015). Collection method: clinical testing. Allele origin: germline.
Comment: In summary, the available evidence is currently insufficient to determine the role of this variant in disease. Therefore, it has been classified as a Variant of Uncertain Significance. Algorithms developed to predict the effect of missense changes on protein structure and function output the following: SIFT: "Tolerated"; PolyPhen-2: "Benign"; Align-GVGD: "Class C0". The threonine amino acid residue is found in multiple mammalian species, suggesting that this missense change does not adversely affect protein function. These predictions have not been confirmed by published functional studies and their clinical significance is uncertain. This variant has not been reported in the literature in individuals with FKTN-related conditions. This variant is not present in population databases (ExAC no frequency). This sequence change replaces alanine with threonine at codon 167 of the FKTN protein (p.Ala167Thr). The alanine residue is moderately conserved and there is a small physicochemical difference between alanine and threonine.

NM_001079802.2(FKTN):c.499G>A (p.Ala167Thr)

Gene: FKTN (fukutin; plus strand). Cytogenetic location: 9q31.2.
Variant type: single nucleotide variant.
Coding change: c.499G>A on transcript NM_001079802.2 (MANE Select); coding-DNA position 499, G replaced by A.
Protein change: p.Ala167Thr; replaces alanine 167 with threonine.
Molecular consequence: missense variant. On other transcripts: non-coding transcript variant (2).
Genome position (GRCh38, 1-based): chr9:105,604,344, G>A. VCF-style: chr9-105604344-G-A. GRCh37 (hg19) VCF-style: chr9-108366625-G-A.
Other names: c.499G>A, p.Ala167Thr (NM_001198963.2, NM_001351496.2, NM_001351498.2 and 1 more transcripts); c.430G>A, p.Ala144Thr (NM_001351497.2); c.103G>A, p.Ala35Thr (NM_001351499.2, NM_001351500.2, NM_001351501.2 and 1 more transcripts); short protein forms A167T, A35T, A144T.
Identifiers: ClinVar variation 1391761 (VCV001391761.8), dbSNP rs2132796265, ClinGen allele CA374332123.